The following is an entry in ClinVar:

ClinVar aggregate classification (germline): Pathogenic (1 of 4 stars; one submission).

Conditions:
LAMA2-related muscular dystrophy (LAMA2-RD). Also called: Laminin alpha 2-related dystrophy. Identifiers: MedGen C5679788, MONDO:0100228.

Allele frequency attached by ClinVar (database versions not stated): gnomAD exomes below 0.00001.

Submission:

Labcorp Genetics (formerly Invitae), Labcorp
Classification: Pathogenic for LAMA2-related muscular dystrophy. Last evaluated: 2024-01-27. Review status: criteria provided, single submitter. Criteria: Invitae Variant Classification Sherloc (09022015). Collection method: clinical testing. Allele origin: germline.
Comment: This sequence change creates a premature translational stop signal (p.Thr1116Glnfs*26) in the LAMA2 gene. It is expected to result in an absent or disrupted protein product. Loss-of-function variants in LAMA2 are known to be pathogenic (PMID: 18700894, 32904964). This variant is not present in population databases (gnomAD no frequency). This premature translational stop signal has been observed in individual(s) with congenital muscular dystrophy (PMID: 30055037). ClinVar contains an entry for this variant (Variation ID: 1409675). For these reasons, this variant has been classified as Pathogenic.

Literature cited by the submitters: PubMed 18700894; PubMed 32904964; PubMed 30055037.

NM_000426.4(LAMA2):c.3338_3345dup (p.Thr1116fs)

Gene: LAMA2 (laminin subunit alpha 2; plus strand). Cytogenetic location: 6q22.33.
Variant type: Duplication.
Coding change: c.3338_3345dup on transcript NM_000426.4 (MANE Select); coding-DNA positions 3338 to 3345, 8 bases duplicated (CAGATGCC; older notation c.3338_3345dupCAGATGCC).
Protein change: p.Thr1116fs; shifts the reading frame from threonine 1116.
Molecular consequence: frameshift variant.
Genome position (GRCh38, 1-based): chr6:129,313,024-129,313,031, CAGATGCC duplicated. VCF-style (leftmost placement, unchanged base first): chr6-129313023-A-ACAGATGCC. GRCh37 (hg19) VCF-style: chr6-129634168-A-ACAGATGCC.
Other names: c.3338_3345dup, p.Thr1116fs (NM_001079823.2); short protein forms T1116fs.
Identifiers: ClinVar variation 1409675 (VCV001409675.8), dbSNP rs2114494398, ClinGen allele CA2573140457.